The following is an entry in ClinVar:

ClinVar aggregate classification (germline): Likely benign (0 of 4 stars; one submission).

Conditions:
VPS13B-related disorder. Also called: VPS13B-related condition.

Submission:

PreventionGenetics, part of Exact Sciences
Classification: Likely benign for VPS13B-related condition. Last evaluated: 2024-05-30. Review status: no assertion criteria provided. Collection method: clinical testing. Allele origin: germline.
Comment: This variant is classified as likely benign based on ACMG/AMP sequence variant interpretation guidelines (Richards et al. 2015 PMID: 25741868, with internal and published modifications).

NM_152564.5(VPS13B):c.2515+16523_2515+16525dup

Gene: VPS13B (vacuolar protein sorting 13 homolog B; plus strand). Cytogenetic location: 8q22.2.
Variant type: Duplication.
Coding change: c.2515+16523_2515+16525dup on transcript NM_152564.5 (MANE Select); bases 16523 to 16525 of the intron after coding-DNA position 2515, 3 bases duplicated (TTT; older notation c.2515+16523_2515+16525dupTTT).
Molecular consequence: intron variant.
Genome position (GRCh38, 1-based): chr8:99,209,580-99,209,582, TTT duplicated; duplicating any 3 consecutive bases within chr8:99,209,567-99,209,582 gives the same sequence; the c. name uses the placement nearest the transcript's 3' end. VCF-style (leftmost placement, unchanged base first): chr8-99209566-A-ATTT. GRCh37 (hg19) VCF-style: chr8-100221794-A-ATTT.
Other names: c.2515+16523_2515+16525dup (NM_017890.5); c.2516-12_2516-10dup (NM_015243.3).
Identifiers: ClinVar variation 3352179 (VCV003352179.1).
Genomic context (GRCh38, chr8:99,209,566, plus strand): 5'-AGCTTCTTTACAGTAGATGGACTTATTTTTTCACTACTATTATGAATTATTTTAATAACA[A>ATTT]TTTTTTTTTTTTTTTTACTTTGTAGAGATTGGGTCTTGCTATGTTGCCCAGGTTGATCTT-3'